The following is an entry in ClinVar:

NM_139076.3(ABRAXAS1):c.1013C>G (p.Ala338Gly)

Gene: ABRAXAS1 (abraxas 1, BRCA1 A complex subunit; minus strand). Cytogenetic location: 4q21.23.
Variant type: single nucleotide variant.
Coding change: c.1013C>G on transcript NM_139076.3 (MANE Select); coding-DNA position 1013, C replaced by G.
Protein change: p.Ala338Gly; replaces alanine 338 with glycine.
Molecular consequence: missense variant.
Genome position (GRCh38, 1-based): chr4:83,462,686, G>C on the plus strand (C>G on the coding strand, the complement: ABRAXAS1 is on the minus strand). VCF-style: chr4-83462686-G-C. GRCh37 (hg19) VCF-style: chr4-84383839-G-C.
Other names: c.686C>G, p.Ala229Gly (NM_001345962.2); short protein forms A229G, A338G.
Identifiers: ClinVar variation 1800171 (VCV001800171.2), dbSNP rs2529418505, ClinGen allele CA357255494.

ClinVar aggregate classification (germline): Uncertain significance (1 of 4 stars; one submission).

Submission:

Ambry Genetics
Classification: Uncertain significance. Last evaluated: 2022-02-05. Review status: criteria provided, single submitter. Criteria: Ambry Variant Classification Scheme 2023. Collection method: clinical testing. Allele origin: germline.
Comment: The p.A338G variant (also known as c.1013C>G), located in coding exon 9 of the FAM175A gene, results from a C to G substitution at nucleotide position 1013. The alanine at codon 338 is replaced by glycine, an amino acid with similar properties. This amino acid position is conserved. In addition, this alteration is predicted to be tolerated by in silico analysis. Since supporting evidence is limited at this time, the clinical significance of this alteration remains unclear.